The following is an entry in ClinVar:

NM_015559.3(SETBP1):c.2114T>C (p.Ile705Thr)

Gene: SETBP1 (SET binding protein 1; plus strand). Cytogenetic location: 18q12.3.
Variant type: single nucleotide variant.
Coding change: c.2114T>C on transcript NM_015559.3 (MANE Select); coding-DNA position 2114, T replaced by C.
Protein change: p.Ile705Thr; replaces isoleucine 705 with threonine.
Molecular consequence: missense variant.
Genome position (GRCh38, 1-based): chr18:44,951,454, T>C. VCF-style: chr18-44951454-T-C. GRCh37 (hg19) VCF-style: chr18-42531419-T-C.
Other names: c.2114T>C, p.Ile705Thr (NM_001379141.1, NM_001379142.1, NM_001410862.1); short protein forms I705T.
Identifiers: ClinVar variation 3681778 (VCV003681778.2).

ClinVar aggregate classification (germline): Uncertain significance (1 of 4 stars; one submission).

Submission:

Labcorp Genetics (formerly Invitae), Labcorp
Classification: Uncertain significance. Last evaluated: 2025-10-02. Review status: criteria provided, single submitter. Criteria: Invitae Variant Classification Sherloc (09022015). Collection method: clinical testing. Allele origin: germline.
Comment: This sequence change replaces isoleucine, which is neutral and non-polar, with threonine, which is neutral and polar, at codon 705 of the SETBP1 protein (p.Ile705Thr). This variant is not present in population databases (gnomAD no frequency). This variant has not been reported in the literature in individuals affected with SETBP1-related conditions. ClinVar contains an entry for this variant (Variation ID: 3681778). Invitae Evidence Modeling of protein sequence and biophysical properties (such as structural, functional, and spatial information, amino acid conservation, physicochemical variation, residue mobility, and thermodynamic stability) indicates that this missense variant is not expected to disrupt SETBP1 protein function with a negative predictive value of 80%. In summary, the available evidence is currently insufficient to determine the role of this variant in disease. Therefore, it has been classified as a Variant of Uncertain Significance.